The following is an entry in ClinVar:

ClinVar aggregate classification (germline): Uncertain significance (1 of 4 stars; one submission).

Conditions:
Gamma-aminobutyric acid transaminase deficiency (GABATD). Also called: GABA transaminase deficiency; Gamma aminobutyrate transaminase deficiency; 4 alpha aminobutyrate transaminase deficiency; GABA aminotransaminase deficiency. Identifiers: Orphanet 2066, MedGen C0342708, MONDO:0013166, OMIM 613163.

Allele frequency attached by ClinVar (database versions not stated): gnomAD exomes below 0.00001.
gnomAD v4.1: 7 of 1,614,132 alleles (0.00043%); highest among the groups gnomAD compares: Non-Finnish European, 0.00059%; no homozygotes.

Submission:

Labcorp Genetics (formerly Invitae), Labcorp
Classification: Uncertain significance for Gamma-aminobutyric acid transaminase deficiency. Last evaluated: 2022-06-14. Review status: criteria provided, single submitter. Criteria: Invitae Variant Classification Sherloc (09022015). Collection method: clinical testing. Allele origin: germline.
Comment: In summary, the available evidence is currently insufficient to determine the role of this variant in disease. Therefore, it has been classified as a Variant of Uncertain Significance. Algorithms developed to predict the effect of missense changes on protein structure and function are either unavailable or do not agree on the potential impact of this missense change (SIFT: "Deleterious"; PolyPhen-2: "Benign"; Align-GVGD: "Class C0"). This variant has not been reported in the literature in individuals affected with ABAT-related conditions. This variant is not present in population databases (gnomAD no frequency). This sequence change replaces cysteine, which is neutral and slightly polar, with phenylalanine, which is neutral and non-polar, at codon 75 of the ABAT protein (p.Cys75Phe).

NM_020686.6(ABAT):c.224G>T (p.Cys75Phe)

Gene: ABAT (4-aminobutyrate aminotransferase; plus strand). Cytogenetic location: 16p13.2.
Variant type: single nucleotide variant.
Coding change: c.224G>T on transcript NM_020686.6 (MANE Select); coding-DNA position 224, G replaced by T.
Protein change: p.Cys75Phe; replaces cysteine 75 with phenylalanine.
Molecular consequence: missense variant. On other transcripts: intron variant (2).
Genome position (GRCh38, 1-based): chr16:8,750,447, G>T. VCF-style: chr16-8750447-G-T. GRCh37 (hg19) VCF-style: chr16-8844304-G-T.
Other names: c.224G>T, p.Cys75Phe (NM_000663.5, NM_001127448.2, NM_001386600.1 and 11 more transcripts); c.89G>T, p.Cys30Phe (NM_001386611.1, NM_001386612.1, NM_001386613.1); c.101-12G>T (NM_001386610.1); c.71-7310G>T (NM_001386614.1); short protein forms C75F, C30F.
Identifiers: ClinVar variation 2054490 (VCV002054490.4), dbSNP rs2059446720, ClinGen allele CA394687796.